The following is an entry in ClinVar:

ClinVar aggregate classification (germline): Pathogenic/Likely pathogenic. Review status: criteria provided, multiple submitters, no conflicts (2 of 4 stars). 2 submissions from 2 submitters: Pathogenic (1); Likely pathogenic (1). Last evaluated 2023-07-13.

Conditions:
DNAH11-related disorders.
Primary ciliary dyskinesia. Also called: Ciliary dyskinesia. Identifiers: Orphanet 244, MedGen C0008780, MONDO:0016575, HP:0012265.

Allele frequency attached by ClinVar (database versions not stated): gnomAD exomes below 0.00001 and 0.00001; gnomAD 0.00001; TOPMed 0.00002.
gnomAD v4.1: 5 of 1,610,408 alleles (0.00031%); highest among the groups gnomAD compares: African/African-American, 0.004%; no homozygotes.

Submissions (2):

Labcorp Genetics (formerly Invitae), Labcorp
Classification: Pathogenic for Primary ciliary dyskinesia. Last evaluated: 2023-07-13. Review status: criteria provided, single submitter. Criteria: Invitae Variant Classification Sherloc (09022015). Collection method: clinical testing. Allele origin: germline.
Comment: This sequence change creates a premature translational stop signal (p.Gln1740*) in the DNAH11 gene. It is expected to result in an absent or disrupted protein product. Loss-of-function variants in DNAH11 are known to be pathogenic (PMID: 18022865, 20513915, 22184204). The frequency data for this variant in the population databases is considered unreliable, as metrics indicate poor data quality at this position in the gnomAD database. For these reasons, this variant has been classified as Pathogenic. Algorithms developed to predict the effect of sequence changes on RNA splicing suggest that this variant may disrupt the consensus splice site. ClinVar contains an entry for this variant (Variation ID: 1073225). This variant has not been reported in the literature in individuals affected with DNAH11-related conditions.

Blueprint Genetics
Classification: Likely pathogenic for DNAH11-related disorders. Last evaluated: 2018-11-21. Review status: criteria provided, single submitter. Criteria: ACMG Guidelines, 2015. Collection method: clinical testing. Allele origin: germline. Affected: yes. Observed: 1 variant allele.

Literature cited by the submitters: PubMed 18022865 (cited by Labcorp Genetics (formerly Invitae), Labcorp); PubMed 20513915 (cited by Labcorp Genetics (formerly Invitae), Labcorp); PubMed 22184204 (cited by Labcorp Genetics (formerly Invitae), Labcorp).

NM_001277115.2(DNAH11):c.5218C>T (p.Gln1740Ter)

Gene: DNAH11 (dynein axonemal heavy chain 11; plus strand). Cytogenetic location: 7p15.3.
Variant type: single nucleotide variant.
Coding change: c.5218C>T on transcript NM_001277115.2 (MANE Select); coding-DNA position 5218, C replaced by T.
Protein change: p.Gln1740Ter; replaces glutamine 1740 with a stop codon.
Molecular consequence: nonsense.
Genome position (GRCh38, 1-based): chr7:21,658,921, C>T. VCF-style: chr7-21658921-C-T. GRCh37 (hg19) VCF-style: chr7-21698539-C-T.
Other names: short protein forms Q1740*.
Identifiers: ClinVar variation 1073225 (VCV001073225.6), dbSNP rs958055112, ClinGen allele CA155090771.